The following is an entry in ClinVar:

NM_152419.3(HGSNAT):c.739del (p.Arg247fs)

Gene: HGSNAT (heparan-alpha-glucosaminide N-acetyltransferase; plus strand). Cytogenetic location: 8p11.21.
Variant type: Deletion.
Coding change: c.739del on transcript NM_152419.3 (MANE Select); coding-DNA position 739, one base deleted (A; older notation c.739delA).
Protein change: p.Arg247fs; shifts the reading frame from arginine 247.
Molecular consequence: frameshift variant. On other transcripts: 5 prime UTR variant (1).
Genome position (GRCh38, 1-based): chr8:43,170,690, A deleted. VCF-style (leftmost placement, unchanged base first): chr8-43170689-CA-C. GRCh37 (hg19) VCF-style: chr8-43025832-CA-C.
Other names: NM_152419.3(HGSNAT):c.739del; p.Arg247fs; c.739delA (NM_152419.2); c.739del, p.Arg247fs (NM_001363227.2, NM_001363228.2); c.-95del (NM_001363229.2); short protein forms R247fs.
Identifiers: ClinVar variation 426971 (VCV000426971.14), dbSNP rs1085307880, ClinGen allele CA645293874.

ClinVar aggregate classification (germline): Pathogenic/Likely pathogenic. Review status: criteria provided, multiple submitters, no conflicts (2 of 4 stars). 9 submissions from 9 submitters: Pathogenic (7); Likely pathogenic (1). 1 of the submissions does not count toward it. Last evaluated 2026-03-02.

Conditions:
HGSNAT-related disorders.
Sanfilippo syndrome. Also called: Sanfilippo disease; Mucopolysaccharidosis Type III; Mucopolysaccharidosis type 3. Identifiers: Orphanet 581, MedGen C0026706, MONDO:0018937.
HGSNAT-related disorder. Also called: HGSNAT-related condition.
Mucopolysaccharidosis, MPS-III-C (MPS3C). Also called: mucopolysaccharidosis type 3C; MPS III C; MPS IIIC (Sanfilippo Syndrome Type C); MUCOPOLYSACCHARIDOSIS, TYPE IIIC; Mucopolysaccharidosis type IIIC (Sanfilippo C); SANFILIPPO SYNDROME C. Identifiers: Orphanet 581, Orphanet 79271, MedGen C0086649, MONDO:0009657, OMIM 252930.
Retinitis pigmentosa 73 (RP73). Identifiers: Orphanet 791, MedGen C4225287, MONDO:0014687, OMIM 616544.

Allele frequency attached by ClinVar (database versions not stated): gnomAD exomes below 0.00001; TOPMed 0.00001.

Submissions (9):

Broad Center for Mendelian Genomics, Broad Institute of MIT and Harvard
Classification: Pathogenic for Mucopolysaccharidosis, MPS-III-C. Last evaluated: 2026-03-02. Review status: criteria provided, single submitter. Criteria: ACMG Guidelines, 2015. Collection method: research. Allele origin: germline. Inheritance: Autosomal recessive inheritance.
Comment: The p.Arg247GlyfsTer29 variant in HGSNAT has been reported in at least 3 other individuals with mucopolysaccharidosis type IIIC (PMID: 17397050, 19479962), and was absent from large population studies. Of the 3 affected individuals, 2 of those were homozygotes and 1 was a compound heterozygote that carried a reported pathogenic variant with unknown phase, which increases the likelihood that the p.Arg247GlyfsTer29 variant is pathogenic (PMID: 17397050, 19479962). This variant has also been reported in ClinVar (Variation ID: 426971) and has been interpreted as pathogenic by Counsyl, GeneDx, Invitae, and Women's Health and Genetics/Laboratory Corporation of America (LabCorp). This variant is predicted to cause a frameshift, which alters the protein’s amino acid sequence beginning at position 247 and leads to a premature termination codon 29 amino acids downstream. This alteration is then predicted to lead to a truncated or absent protein. Loss of function of the HGSNAT gene is an established disease mechanism in autosomal recessive mucopolysaccharidosis type IIIC. In summary, this variant meets criteria to be classified as pathogenic for autosomal recessive mucopolysaccharidosis type IIIC. ACMG/AMP Criteria applied: PVS1, PM3_strong, PM2_supporting (Richards 2015).

PreventionGenetics, part of Exact Sciences
Classification: Pathogenic for HGSNAT-related condition. Last evaluated: 2025-09-11. Review status: criteria provided, single submitter. Criteria: ACMG Guidelines, 2015. Collection method: clinical testing. Allele origin: germline.
Comment: The HGSNAT c.739delA variant is predicted to result in a frameshift and premature protein termination (p.Arg247Glyfs*29). This variant was reported in the homozygous state in an individual with mucopolysaccharidosis (Fedele et al. 2007. PubMed ID: 17397050). This variant has not been reported in a large population database (gnomAD), indicating this variant is rare. Frameshift variants in HGSNAT are expected to be pathogenic. This variant is interpreted as pathogenic.

Natera, Inc.
Classification: Pathogenic for Mucopolysaccharidosis type IIIC. Last evaluated: 2025-08-06. Review status: criteria provided, single submitter. Criteria: Natera Variant Classification Schema (03/2026). Collection method: clinical testing. Allele origin: germline.
Comment: The c.739delA variant in HGSNAT is a frameshift variant predicted to shift the reading frame beginning at codon 247 and leads to a stop codon 29 codons downstream. This variant is expected to result in nonsense mediated decay, truncation, or a dysfunctional protein product. This variant is rare in the general population with a frequency below the threshold expected for the associated phenotype(s). This variant has been observed in one or more individuals affected with the associated recessive disease, as either homozygous or compound heterozygous with a second variant (PMID: 19479962, 17397050). Given the available evidence, this variant is classified as Pathogenic.

Labcorp Genetics (formerly Invitae), Labcorp
Classification: Pathogenic for Retinitis pigmentosa 73; Mucopolysaccharidosis, MPS-III-C. Last evaluated: 2025-04-28. Review status: criteria provided, single submitter. Criteria: Invitae Variant Classification Sherloc (09022015). Collection method: clinical testing. Allele origin: germline.
Comment: This sequence change creates a premature translational stop signal (p.Arg247Glyfs*29) in the HGSNAT gene. It is expected to result in an absent or disrupted protein product. Loss-of-function variants in HGSNAT are known to be pathogenic (PMID: 17033958, 19479962, 25859010). This variant is not present in population databases (gnomAD no frequency). This premature translational stop signal has been observed in individual(s) with mucopolysaccharidosis type IIIC (PMID: 17397050, 19479962). In at least one individual the data is consistent with being in trans (on the opposite chromosome) from a pathogenic variant. ClinVar contains an entry for this variant (Variation ID: 426971). For these reasons, this variant has been classified as Pathogenic.

Laboratory for Molecular Medicine, Mass General Brigham Personalized Medicine
Classification: Pathogenic for Mucopolysaccharidosis, MPS-III-C. Last evaluated: 2023-08-23. Review status: criteria provided, single submitter. Criteria: ACMG Guidelines, 2015. Collection method: clinical testing. Allele origin: germline. Inheritance: Autosomal recessive inheritance.
Comment: The p.Arg247GlyfsX29 (c.739delA) variant in HGSNAT has been reported in 3 individuals with Mucopolysaccharidosis type IIIC. Two of these individuals were homozygous for this variant, and the third was a compound heterozygote with a pathogenic variant (p.R506X) detected in trans (Fedele 2007 PMID: 17397050, Feldhammer 2009 PMID: 19479962). This variant has also been reported in ClinVar (Variation ID 426971) and was absent from large population studies. This variant is predicted to cause a frameshift, which alters the protein’s amino acid sequence beginning at position 247 and leads to a premature termination codon 29 amino acids downstream. This alteration is then predicted to lead to a truncated or absent protein. Loss of function of the HGSNAT gene is an established disease mechanism in autosomal recessive Mucopolysaccharidosis type IIIC (Hrebicek 2006 PMID: 17033958; Feldhammer 2009 PMID: 19479962). In summary, this variant meets criteria to be classified as pathogenic for autosomal recessive Mucopolysaccharidosis type IIIC. ACMG/AMP Criteria applied: PVS1, PM3_Strong, PM2_Supporting.

Women's Health and Genetics/Laboratory Corporation of America, LabCorp
Classification: Pathogenic for Sanfilippo syndrome. Last evaluated: 2023-02-13. Review status: criteria provided, single submitter. Criteria: LabCorp Variant Classification Summary - May 2015. Collection method: clinical testing. Allele origin: germline.
Comment: Variant summary: HGSNAT c.739delA (p.Arg247GlyfsX29) results in a premature termination codon, predicted to cause a truncation of the encoded protein or absence of the protein due to nonsense mediated decay, which are commonly known mechanisms for disease. Truncations downstream of this position have been classified as pathogenic by our laboratory. The variant was absent in 220554 control chromosomes (gnomAD). c.739delA has been reported in the literature in individuals affected with Mucopolysaccharidosis Type IIIC (Sanfilippo Syndrome C) (Examples: Fedele_2007 and Feldhammer_2009). These data indicate that the variant is very likely to be associated with disease. Three clinical diagnostic laboratories have submitted clinical-significance assessments for this variant to ClinVar after 2014 and all classified the variant as pathogenic. Based on the evidence outlined above, the variant was classified as pathogenic.

Blueprint Genetics
Classification: Likely pathogenic for HGSNAT-related disorders. Last evaluated: 2022-08-18. Review status: criteria provided, single submitter. Criteria: ACMG Guidelines, 2015. Collection method: clinical testing. Allele origin: germline. Affected: yes. Observed: 3 variant alleles.

GeneDx
Classification: Pathogenic. Last evaluated: 2020-11-04. Review status: criteria provided, single submitter. Criteria: GeneDx Variant Classification Process June 2021. Collection method: clinical testing. Allele origin: germline. Affected: yes.
Comment: Frameshift variant predicted to result in protein truncation or nonsense mediated decay in a gene for which loss-of-function is a known mechanism of disease; Not observed in large population cohorts (Lek et al., 2016); This variant is associated with the following publications: (PMID: 17397050, 19479962, 31228227)

Counsyl
Classification: Pathogenic for Mucopolysaccharidosis, MPS-III-C. Last evaluated: 2017-03-17. Review status: no assertion criteria provided. Collection method: clinical testing. Allele origin: unknown. Not counted in ClinVar's aggregate classification.

Literature cited by the submitters: PubMed 19479962 (cited by 5 submitters); PubMed 17397050 (cited by 5 submitters); PubMed 17033958 (cited by Labcorp Genetics (formerly Invitae), Labcorp and Laboratory for Molecular Medicine, Mass General Brigham Personalized Medicine); PubMed 25859010 (cited by Labcorp Genetics (formerly Invitae), Labcorp).